The following is an entry in ClinVar:

NM_000302.4(PLOD1):c.2170_2172del (p.Phe724del)

Gene: PLOD1 (procollagen-lysine,2-oxoglutarate 5-dioxygenase 1; plus strand). Cytogenetic location: 1p36.22.
Variant type: Deletion.
Coding change: c.2170_2172del on transcript NM_000302.4 (MANE Select); coding-DNA positions 2170 to 2172, 3 bases deleted (TTC; older notation c.2170_2172delTTC).
Protein change: p.Phe724del; deletes phenylalanine 724.
Molecular consequence: inframe deletion.
Genome position (GRCh38, 1-based): chr1:11,974,794-11,974,796, TTC deleted; deleting any 3 consecutive bases within chr1:11,974,793-11,974,796 gives the same sequence; the c. name uses the placement nearest the transcript's 3' end. VCF-style (leftmost placement, unchanged base first): chr1-11974792-CCTT-C. GRCh37 (hg19) VCF-style: chr1-12034849-CCTT-C.
Other names: c.2311_2313del, p.Phe771del (NM_001316320.2); short protein forms F724del, F771del.
Identifiers: ClinVar variation 1175731 (VCV001175731.40), dbSNP rs1310692062, ClinGen allele CA521203050.

ClinVar aggregate classification (germline): Conflicting classifications of pathogenicity. Review status: criteria provided, conflicting classifications (1 of 4 stars). 3 submissions from 3 submitters: Likely pathogenic (1); Uncertain significance (2). Last evaluated 2024-01-02.

Conditions:
Ehlers-Danlos syndrome, kyphoscoliotic type 1 (EDSKSCL1). Also called: EHLERS-DANLOS SYNDROME, OCULAR-SCOLIOTIC TYPE; EHLERS-DANLOS SYNDROME, TYPE VIA; PLOD1-Related Kyphoscoliotic Ehlers-Danlos Syndrome; Ehlers-Danlos syndrome, hydroxylysine-deficient. Identifiers: Orphanet 1900, MedGen C0268342, MONDO:0016002, OMIM 225400. Disease mechanism: loss of function.

Submissions (3):

Fulgent Genetics
Classification: Likely pathogenic for Ehlers-Danlos syndrome, kyphoscoliotic type 1. Last evaluated: 2024-01-02. Review status: criteria provided, single submitter. Criteria: ACMG Guidelines, 2015. Collection method: clinical testing. Allele origin: germline.

Labcorp Genetics (formerly Invitae), Labcorp
Classification: Uncertain significance for Ehlers-Danlos syndrome, kyphoscoliotic type 1. Last evaluated: 2022-08-23. Review status: criteria provided, single submitter. Criteria: Invitae Variant Classification Sherloc (09022015). Collection method: clinical testing. Allele origin: germline.
Comment: This variant, c.2170_2172del, results in the deletion of 1 amino acid(s) of the PLOD1 protein (p.Phe724del), but otherwise preserves the integrity of the reading frame. This variant is present in population databases (no rsID available, gnomAD 0.0009%). This variant has been observed in individual(s) with kyphoscoliotic Ehlers-Danlos Syndrome (PMID: 32174067). It has also been observed to segregate with disease in related individuals. ClinVar contains an entry for this variant (Variation ID: 1175731). Experimental studies and prediction algorithms are not available or were not evaluated, and the functional significance of this variant is currently unknown. In summary, the available evidence is currently insufficient to determine the role of this variant in disease. Therefore, it has been classified as a Variant of Uncertain Significance.

CeGaT Center for Human Genetics Tuebingen
Classification: Uncertain significance. Last evaluated: 2021-04-01. Review status: criteria provided, single submitter. Criteria: CeGaT Center For Human Genetics Tuebingen Variant Classification Criteria Version 2. Collection method: clinical testing. Allele origin: germline. Affected: yes. Observed: 1 variant allele.

Literature cited by the submitters: PubMed 32174067 (cited by Labcorp Genetics (formerly Invitae), Labcorp).